The following is an entry in ClinVar:

ClinVar aggregate classification (germline): Uncertain significance. Review status: criteria provided, multiple submitters, no conflicts (2 of 4 stars). 3 submissions from 3 submitters: Uncertain significance (3). Last evaluated 2024-03-30.

Conditions:
Brugada syndrome. Also called: Sudden Unexplained Death Syndrome; Sudden Unexplained Nocturnal Death Syndrome (SUNDS); Sudden unexplained nocturnal death syndrome; Sudden unexpected nocturnal death syndrome. Identifiers: Orphanet 130, MedGen C1142166, MONDO:0015263.
Cardiovascular phenotype. Identifiers: MedGen CN230736.

Allele frequency attached by ClinVar (database versions not stated): TOPMed 0.00001.
gnomAD v4.1: 3 of 1,613,998 alleles (0.00019%); highest among the groups gnomAD compares: Non-Finnish European, 0.00025%; no homozygotes.

Submissions (3):

Labcorp Genetics (formerly Invitae), Labcorp
Classification: Uncertain significance for Brugada syndrome. Last evaluated: 2024-03-30. Review status: criteria provided, single submitter. Criteria: Invitae Variant Classification Sherloc (09022015). Collection method: clinical testing. Allele origin: germline.
Comment: This sequence change replaces valine, which is neutral and non-polar, with methionine, which is neutral and non-polar, at codon 249 of the GPD1L protein (p.Val249Met). This variant is present in population databases (no rsID available, gnomAD 0.0009%). This missense change has been observed in individual(s) with drug-associated torsades de pointes (PMID: 22584458). ClinVar contains an entry for this variant (Variation ID: 402907). An algorithm developed to predict the effect of missense changes on protein structure and function (PolyPhen-2) suggests that this variant is likely to be disruptive. In summary, the available evidence is currently insufficient to determine the role of this variant in disease. Therefore, it has been classified as a Variant of Uncertain Significance.

Ambry Genetics
Classification: Uncertain significance for Cardiovascular phenotype. Last evaluated: 2023-05-21. Review status: criteria provided, single submitter. Criteria: Ambry Variant Classification Scheme 2023. Collection method: clinical testing. Allele origin: germline.
Comment: The p.V249M variant (also known as c.745G>A), located in coding exon 6 of the GPD1L gene, results from a G to A substitution at nucleotide position 745. The valine at codon 249 is replaced by methionine, an amino acid with highly similar properties. This variant has been detected in an individual from a cohort with drug-induced long QT syndrome (Ramirez AH et al. Pharmacogenomics J., 2013 Aug;13:325-9). This amino acid position is highly conserved in available vertebrate species. In addition, the in silico prediction for this alteration is inconclusive. Since supporting evidence is limited at this time, the clinical significance of this alteration remains unclear.

Laboratory for Molecular Medicine, Mass General Brigham Personalized Medicine
Classification: Uncertain significance. Last evaluated: 2016-03-31. Review status: criteria provided, single submitter. Criteria: LMM Criteria. Collection method: clinical testing. Allele origin: germline.
Comment: Variant identified in a genome or exome case(s) and assessed due to predicted null impact of the variant or pathogenic assertions in the literature or databases. Disclaimer: This variant has not undergone full assessment. The following are preliminary notes: 1 paper in HGMD; Absent from ExAC with good coverage

Literature cited by the submitters: PubMed 22584458 (cited by Labcorp Genetics (formerly Invitae), Labcorp and Ambry Genetics).

NM_015141.4(GPD1L):c.745G>A (p.Val249Met)

Gene: GPD1L (glycerol-3-phosphate dehydrogenase 1 like; plus strand). Cytogenetic location: 3p22.3.
Variant type: single nucleotide variant.
Coding change: c.745G>A on transcript NM_015141.4 (MANE Select); coding-DNA position 745, G replaced by A.
Protein change: p.Val249Met; replaces valine 249 with methionine.
Molecular consequence: missense variant.
Genome position (GRCh38, 1-based): chr3:32,159,002, G>A. VCF-style: chr3-32159002-G-A. GRCh37 (hg19) VCF-style: chr3-32200494-G-A.
Other names: short protein forms V249M.
Identifiers: ClinVar variation 402907 (VCV000402907.12), dbSNP rs148464224, ClinGen allele CA16609718.
Genomic context (GRCh38, chr3:32,159,002, plus strand): 5'-GTCATCCGCCTGGGACTCATGGAAATGATTGCTTTTGCCAGGATCTTCTGCAAAGGCCAA[G>A]TGTCTACAGCCACCTTCCTAGAGAGCTGCGGGGTGGCCGACCTGATCACCACCTGTTACG-3'
Protein context (NP_055956.1, residues 239-259): AFARIFCKGQ[Val249Met]STATFLESCG